The following is an entry in ClinVar:

ClinVar aggregate classification (germline): Pathogenic (1 of 4 stars; one submission).

Conditions:
Microcephaly 5, primary, autosomal recessive (MCPH5). Also called: ASPM Primary Microcephaly. Identifiers: Orphanet 2512, MedGen C1837501, MONDO:0012106, OMIM 608716.

Submission:

Health Biotechnology Lab, Government College University Faisalabad
Classification: Pathogenic for Microcephaly 5, primary, autosomal recessive. Last evaluated: 2025-06-27. Review status: criteria provided, single submitter. Criteria: ACMG Guidelines, 2015. Collection method: research. Allele origin: germline. Affected: yes. Observed: 2 variant alleles.
Comment: This homozygous variant (NM_018136.5:c.1669_1670del p.(Ser557Leufs*2)), segregated in the family with Primary microcephaly, intellectual disability and developmental delay. The variant is not listed in ClinVar or disease specific databases including DisGeNet and LOVD. The ASPM p.(Ser557Leufs*2) was absent from proxy populational genomic database gnomAD (V4. In silico prediction tools including MutationTaster, DANN and BayesDel predicted this variant as pathogenic. The variant meets PVS1, PM2 ACMG creiteria and also classified as pathogenic.

NM_018136.5(ASPM):c.1669_1670del (p.Ser557fs)

Gene: ASPM (assembly factor for spindle microtubules; minus strand). Cytogenetic location: 1q31.3.
Variant type: Microsatellite.
Coding change: c.1669_1670del on transcript NM_018136.5 (MANE Select); coding-DNA positions 1669 to 1670, 2 bases deleted (AG; older notation c.1669_1670delAG).
Protein change: p.Ser557fs; shifts the reading frame from serine 557.
Molecular consequence: frameshift variant.
Genome position (GRCh38, 1-based): chr1:197,142,582-197,142,583, CT deleted on the plus strand (AG on the coding strand, the reverse complement: ASPM is on the minus strand); deleting any 2 consecutive bases within chr1:197,142,582-197,142,585 gives the same sequence; the c. name uses the placement nearest the transcript's 3' end. VCF-style (leftmost placement, unchanged base first): chr1-197142581-ACT-A. GRCh37 (hg19) VCF-style: chr1-197111711-ACT-A.
Other names: c.1669_1670del, p.Ser557fs (NM_001206846.2); short protein forms S557fs.
Identifiers: ClinVar variation 4681192 (VCV004681192.1).
Genomic context (GRCh38, chr1:197,142,581, plus strand): 5'-GCTCTTTCTTTTCCGAGCAACTGAAGCTGTTGTCGAAGAGGGTGTTACCTCGTTTTTATA[ACT>A]CTTAGATTTACTTAATATTGGATCTATAATTGGAAGATAAGAATGAAAATCTTCTTTTTC-3'